The following is an entry in ClinVar:

ClinVar aggregate classification (germline): Uncertain significance. Review status: criteria provided, multiple submitters, no conflicts (2 of 4 stars). 4 submissions from 4 submitters: Uncertain significance (4). Last evaluated 2024-08-13.

Conditions:
Catecholaminergic polymorphic ventricular tachycardia 1. Also called: VENTRICULAR TACHYCARDIA, CATECHOLAMINERGIC POLYMORPHIC, 1, WITH OR WITHOUT ATRIAL DYSFUNCTION AND/OR DILATED CARDIOMYOPATHY; VENTRICULAR TACHYCARDIA, STRESS-INDUCED POLYMORPHIC 1; RYR2-Related Catecholaminergic Polymorphic Ventricular Tachycardia. Identifiers: Orphanet 3286, MedGen C1631597, MONDO:0011484, OMIM 604772.
Catecholaminergic polymorphic ventricular tachycardia (CVPT). Also called: Catecholamine-induced polymorphic ventricular tachycardia. Identifiers: Orphanet 3286, MedGen C5574922, MONDO:0017990.
Cardiomyopathy (CMYO). Also called: Cardiomyopathies. Identifiers: Orphanet 167848, MedGen C0878544, MONDO:0004994, HP:0001638. Inheritance: Various modes of inheritance.

Allele frequency attached by ClinVar (database versions not stated): gnomAD exomes 0.00001 and 0.00003; TOPMed 0.00002; ExAC 0.00003; gnomAD 0.00003; ESP Exome Variant Server 0.00008.
gnomAD v4.1: 13 of 1,498,422 alleles (0.00087%); highest among the groups gnomAD compares: African/African-American, 0.0042%; no homozygotes.

Submissions (4):

Labcorp Genetics (formerly Invitae), Labcorp
Classification: Uncertain significance for Catecholaminergic polymorphic ventricular tachycardia 1. Last evaluated: 2024-08-13. Review status: criteria provided, single submitter. Criteria: Invitae Variant Classification Sherloc (09022015). Collection method: clinical testing. Allele origin: germline.
Comment: This sequence change replaces arginine, which is basic and polar, with cysteine, which is neutral and slightly polar, at codon 389 of the RYR2 protein (p.Arg389Cys). This variant is present in population databases (rs376135032, gnomAD 0.01%). This variant has not been reported in the literature in individuals affected with RYR2-related conditions. ClinVar contains an entry for this variant (Variation ID: 928391). Invitae Evidence Modeling of protein sequence and biophysical properties (such as structural, functional, and spatial information, amino acid conservation, physicochemical variation, residue mobility, and thermodynamic stability) indicates that this missense variant is expected to disrupt RYR2 protein function with a positive predictive value of 95%. In summary, the available evidence is currently insufficient to determine the role of this variant in disease. Therefore, it has been classified as a Variant of Uncertain Significance.

Color Diagnostics, LLC DBA Color Health
Classification: Uncertain significance for Cardiomyopathy. Last evaluated: 2024-03-06. Review status: criteria provided, single submitter. Criteria: ACMG Guidelines, 2015. Collection method: clinical testing. Allele origin: germline.
Comment: This missense variant replaces arginine with cysteine at codon 389 of the RYR2 protein. Computational prediction suggests that this variant may have deleterious impact on protein structure and function (internally defined REVEL score threshold >= 0.7, PMID: 27666373). To our knowledge, functional studies have not been reported for this variant. This variant has not been reported in individuals affected with RYR2-related disorders in the literature. This variant has been identified in 7/241392 chromosomes in the general population by the Genome Aggregation Database (gnomAD). The available evidence is insufficient to determine the role of this variant in disease conclusively. Therefore, this variant is classified as a Variant of Uncertain Significance.

All of Us Research Program, National Institutes of Health
Classification: Uncertain significance for Catecholaminergic polymorphic ventricular tachycardia. Last evaluated: 2024-02-05. Review status: criteria provided, single submitter. Criteria: ACMG Guidelines, 2015. Collection method: clinical testing. Allele origin: germline. Inheritance: Autosomal dominant inheritance. Observed: 2 variant alleles, 2 heterozygotes.
Comment: This missense variant replaces arginine with cysteine at codon 389 of the RYR2 protein. Computational prediction tools and conservation analyses suggest that this variant may have deleterious impact on the protein function. Computational splicing tools suggest that this variant may not impact RNA splicing. To our knowledge, functional assays have not been performed for this variant nor has this variant been reported in individuals affected with cardiovascular disorders in the literature. This variant has been identified in 7/241392 chromosomes in the general population by the Genome Aggregation Database (gnomAD). Available evidence is insufficient to determine the role of this variant in disease conclusively. Therefore, this variant is classified as a Variant of Uncertain Significance.

This study involves interpretation of variants in research participants for the purpose of population health screening. Participant phenotype was not available at the time of variant classification. Additional details can be found in publication PMID: 35346344, PMCID: PMC8962531

Revvity Omics, Revvity
Classification: Uncertain significance. Last evaluated: 2021-02-01. Review status: criteria provided, single submitter. Criteria: ACMG Guidelines, 2015. Collection method: clinical testing. Allele origin: germline.

NM_001035.3(RYR2):c.1165C>T (p.Arg389Cys)

Gene: RYR2 (ryanodine receptor 2; plus strand). Cytogenetic location: 1q43.
Variant type: single nucleotide variant.
Coding change: c.1165C>T on transcript NM_001035.3 (MANE Select); coding-DNA position 1165, C replaced by T.
Protein change: p.Arg389Cys; replaces arginine 389 with cysteine.
Molecular consequence: missense variant.
Genome position (GRCh38, 1-based): chr1:237,441,478, C>T. VCF-style: chr1-237441478-C-T. GRCh37 (hg19) VCF-style: chr1-237604778-C-T.
Other names: c.1165C>T (NM_001035.2); short protein forms R389C.
Identifiers: ClinVar variation 928391 (VCV000928391.14), dbSNP rs376135032, ClinGen allele CA085024.